The following is an entry in ClinVar:

ClinVar aggregate classification (germline): Uncertain significance (1 of 4 stars; one submission).

Conditions:
Familial thoracic aortic aneurysm and aortic dissection (TAAD). Also called: Thoracic aortic aneurysms and dissections. Identifiers: Orphanet 91387, MedGen C4707243, MONDO:0019625.

Allele frequency attached by ClinVar (database versions not stated): gnomAD exomes below 0.00001; gnomAD 0.00001; TOPMed 0.00001.
gnomAD v4.1: 3 of 1,584,426 alleles (0.00019%); highest among the groups gnomAD compares: Non-Finnish European, 0.00026%; no homozygotes.

Submission:

Ambry Genetics
Classification: Uncertain significance for Familial thoracic aortic aneurysm and aortic dissection. Last evaluated: 2023-12-22. Review status: criteria provided, single submitter. Criteria: Ambry Variant Classification Scheme 2023. Collection method: clinical testing. Allele origin: germline.
Comment: The p.K1607Q variant (also known as c.4819A>C), located in coding exon 26 of the NOTCH1 gene, results from an A to C substitution at nucleotide position 4819. The lysine at codon 1607 is replaced by glutamine, an amino acid with similar properties. This amino acid position is conserved. In addition, the in silico prediction for this alteration is inconclusive. Since supporting evidence is limited at this time, the clinical significance of this alteration remains unclear.

NM_017617.5(NOTCH1):c.4819A>C (p.Lys1607Gln)

Gene: NOTCH1 (notch receptor 1; minus strand). Cytogenetic location: 9q34.3.
Variant type: single nucleotide variant.
Coding change: c.4819A>C on transcript NM_017617.5 (MANE Select); coding-DNA position 4819, A replaced by C.
Protein change: p.Lys1607Gln; replaces lysine 1607 with glutamine.
Molecular consequence: missense variant.
Genome position (GRCh38, 1-based): chr9:136,504,872, T>G on the plus strand (A>C on the coding strand, the complement: NOTCH1 is on the minus strand). VCF-style: chr9-136504872-T-G. GRCh37 (hg19) VCF-style: chr9-139399324-T-G.
Other names: short protein forms K1607Q.
Identifiers: ClinVar variation 3226970 (VCV003226970.1), dbSNP rs1324346884, ClinGen allele CA375644838.